The following is an entry in ClinVar:

ClinVar aggregate classification (germline): Uncertain significance. Review status: criteria provided, multiple submitters, no conflicts (2 of 4 stars). 2 submissions from 2 submitters: Uncertain significance (2). Last evaluated 2025-05-01.

gnomAD v4.1: 15 of 1,613,554 alleles (0.00093%); highest among the groups gnomAD compares: African/African-American, 0.0053%; no homozygotes.

Submissions (2):

CeGaT Center for Human Genetics Tuebingen
Classification: Uncertain significance. Last evaluated: 2025-05-01. Review status: criteria provided, single submitter. Criteria: CeGaT Center For Human Genetics Tuebingen Variant Classification Criteria Version 2. Collection method: clinical testing. Allele origin: germline. Affected: yes. Observed: 1 variant allele.
Comment: GLT8D1: PM2:Supporting, BP4

Ambry Genetics
Classification: Uncertain significance. Last evaluated: 2024-03-19. Review status: criteria provided, single submitter. Criteria: Ambry Variant Classification Scheme 2023. Collection method: clinical testing. Allele origin: germline.

NM_018446.4(GLT8D1):c.188A>G (p.Gln63Arg)

Gene: GLT8D1 (glycosyltransferase 8 domain containing 1; minus strand). Cytogenetic location: 3p21.1.
Variant type: single nucleotide variant.
Coding change: c.188A>G on transcript NM_018446.4 (MANE Select); coding-DNA position 188, A replaced by G.
Protein change: p.Gln63Arg; replaces glutamine 63 with arginine.
Molecular consequence: missense variant.
Genome position (GRCh38, 1-based): chr3:52,697,862, T>C on the plus strand (A>G on the coding strand, the complement: GLT8D1 is on the minus strand). VCF-style: chr3-52697862-T-C. GRCh37 (hg19) VCF-style: chr3-52731878-T-C.
Other names: c.188A>G, p.Gln63Arg (NM_001010983.3, NM_001278280.2, NM_001278281.2 and 1 more transcripts); short protein forms Q63R.
Identifiers: ClinVar variation 3281655 (VCV003281655.11).